The following is an entry in ClinVar:

ClinVar aggregate classification (germline): Uncertain significance (1 of 4 stars; one submission).

gnomAD v4.1: 18 of 1,611,672 alleles (0.0011%); highest among the groups gnomAD compares: Non-Finnish European, 0.0014%; no homozygotes.

Submission:

Ambry Genetics
Classification: Uncertain significance. Last evaluated: 2025-01-23. Review status: criteria provided, single submitter. Criteria: Ambry Variant Classification Scheme 2023. Collection method: clinical testing. Allele origin: germline.
Comment: The p.N501S variant (also known as c.1502A>G), located in coding exon 8 of the PALLD gene, results from an A to G substitution at nucleotide position 1502. The asparagine at codon 501 is replaced by serine, an amino acid with highly similar properties. This amino acid position is conserved. In addition, the in silico prediction for this alteration is inconclusive. Based on the available evidence, the clinical significance of this variant remains unclear.

NM_001166108.2(PALLD):c.3014A>G (p.Asn1005Ser)

Genes: CBR4 (carbonyl reductase 4; minus strand), PALLD (palladin, cytoskeletal associated protein; plus strand). Cytogenetic location: 4q32.3.
Variant type: single nucleotide variant.
Coding change: c.3014A>G on transcript NM_001166108.2 (MANE Select); coding-DNA position 3014, A replaced by G.
Protein change: p.Asn1005Ser; replaces asparagine 1005 with serine.
Molecular consequence: missense variant.
Genome position (GRCh38, 1-based): chr4:168,921,697, A>G. VCF-style: chr4-168921697-A-G. GRCh37 (hg19) VCF-style: chr4-169842848-A-G.
Other names: c.1817A>G, p.Asn606Ser (NM_001166109.2); c.1502A>G, p.Asn501Ser (NM_001166110.2); c.842A>G, p.Asn281Ser (NM_001367567.1, NM_001367569.1); c.893A>G, p.Asn298Ser (NM_001367568.1, NM_001367570.1); c.2963A>G, p.Asn988Ser (NM_016081.4); short protein forms N1005S, N298S, N501S, N988S, N281S, N606S.
Identifiers: ClinVar variation 3885260 (VCV003885260.1).